The following is an entry in ClinVar:

ClinVar aggregate classification (germline): Uncertain significance (1 of 4 stars; one submission).

Conditions:
Inborn genetic diseases. Identifiers: MedGen C0950123, MeSH D030342.

Submission:

Ambry Genetics
Classification: Uncertain significance for Inborn genetic diseases. Last evaluated: 2024-03-14. Review status: criteria provided, single submitter. Criteria: Ambry Variant Classification Scheme 2023. Collection method: clinical testing. Allele origin: germline.
Comment: The p.T2340I variant (also known as c.7019C>T), located in coding exon 47 of the LRRK2 gene, results from a C to T substitution at nucleotide position 7019. The threonine at codon 2340 is replaced by isoleucine, an amino acid with similar properties. This amino acid position is conserved. In addition, this alteration is predicted to be tolerated by in silico analysis. Based on the available evidence, the clinical significance of this alteration remains unclear.

NM_198578.4(LRRK2):c.7019C>T (p.Thr2340Ile)

Gene: LRRK2 (leucine rich repeat kinase 2; plus strand). Cytogenetic location: 12q12.
Variant type: single nucleotide variant.
Coding change: c.7019C>T on transcript NM_198578.4 (MANE Select); coding-DNA position 7019, C replaced by T.
Protein change: p.Thr2340Ile; replaces threonine 2340 with isoleucine.
Molecular consequence: missense variant.
Genome position (GRCh38, 1-based): chr12:40,359,435, C>T. VCF-style: chr12-40359435-C-T. GRCh37 (hg19) VCF-style: chr12-40753237-C-T.
Other names: short protein forms T2340I.
Identifiers: ClinVar variation 3229768 (VCV003229768.1), dbSNP rs2500012634, ClinGen allele CA384412168.